The following is an entry in ClinVar:

NM_000492.4(CFTR):c.3200C>T (p.Ala1067Val)

Genes: CFTR-AS2 (CFTR antisense RNA 2; minus strand), CFTR (CF transmembrane conductance regulator; plus strand), LOC111674472 (DNase I hypersensitive sites in introns 16 and 17a of CFTR; plus strand). Cytogenetic location: 7q31.2.
Variant type: single nucleotide variant.
Coding change: c.3200C>T on transcript NM_000492.4 (MANE Select); coding-DNA position 3200, C replaced by T.
Protein change: p.Ala1067Val; replaces alanine 1067 with valine.
Molecular consequence: missense variant.
Genome position (GRCh38, 1-based): chr7:117,611,641, C>T. VCF-style: chr7-117611641-C-T. GRCh37 (hg19) VCF-style: chr7-117251695-C-T.
Other names: short protein forms A1067V.
Identifiers: ClinVar variation 53683 (VCV000053683.42), dbSNP rs1800114, ClinGen allele CA327095.

ClinVar aggregate classification (germline): Conflicting classifications of pathogenicity. Review status: criteria provided, conflicting classifications (1 of 4 stars). 12 submissions from 11 submitters: Pathogenic (1); Likely pathogenic (4); Uncertain significance (5). 2 of the submissions do not count toward it. Last evaluated 2026-01-07.

Conditions:
CFTR-related disorder (CFTR-RD). Also called: CFTR-related disorders; CFTR-related condition. Identifiers: MedGen C5924204, MONDO:7770004.
Bronchiectasis with or without elevated sweat chloride 1 (BESC1). Also called: Cystic Fibrosis-Like Syndrome. Identifiers: Orphanet 60033, MedGen C2749757, MONDO:0008887, OMIM 211400.
Hereditary pancreatitis (PCTT). Also called: PRSS1-Related Hereditary Pancreatitis; Hereditary chronic pancreatitis. Identifiers: Orphanet 676, MedGen C0238339, MONDO:0008185, OMIM 167800.
Cystic fibrosis (CF). Also called: MUCOVISCIDOSIS. Identifiers: Orphanet 586, MedGen C0010674, MONDO:0009061, OMIM 219700. Disease mechanism: loss of function.
Congenital bilateral aplasia of vas deferens from CFTR mutation (CBAVD). Identifiers: Orphanet 48, MedGen C0403814, MONDO:0010178, OMIM 277180. Disease mechanism: loss of function.

Allele frequency attached by ClinVar (database versions not stated): gnomAD exomes 0.00001; gnomAD 0.00005; TOPMed 0.00005; ExAC 0.00002; ESP Exome Variant Server 0.00008.
gnomAD v4.1: 121 of 1,613,382 alleles (0.0075%); highest among the groups gnomAD compares: Non-Finnish European, 0.0099%; no homozygotes.

Submissions (12):

Labcorp Genetics (formerly Invitae), Labcorp
Classification: Pathogenic for Cystic fibrosis. Last evaluated: 2026-01-07. Review status: criteria provided, single submitter. Criteria: Invitae Variant Classification Sherloc (09022015). Collection method: clinical testing. Allele origin: germline.
Comment: This sequence change replaces alanine, which is neutral and non-polar, with valine, which is neutral and non-polar, at codon 1067 of the CFTR protein (p.Ala1067Val). This variant is present in population databases (rs1800114, gnomAD 0.003%). This missense change has been observed in individuals with congenital bilateral absence of the vas deferens and cystic fibrosis (PMID: 7539342, 7689902, 8556303; internal data). ClinVar contains an entry for this variant (Variation ID: 53683). Invitae Evidence Modeling of protein sequence and biophysical properties (such as structural, functional, and spatial information, amino acid conservation, physicochemical variation, residue mobility, and thermodynamic stability) indicates that this missense variant is expected to disrupt CFTR protein function with a positive predictive value of 80%. This variant disrupts the p.Ala1067 amino acid residue in CFTR. Other variant(s) that disrupt this residue have been observed in individuals with CFTR-related conditions (PMID: 1284639, 8662892, 8702904, 23891399, 27131402), which suggests that this may be a clinically significant amino acid residue. For these reasons, this variant has been classified as Pathogenic.

Ambry Genetics
Classification: Uncertain significance for Cystic fibrosis. Last evaluated: 2025-12-16. Review status: criteria provided, single submitter. Criteria: Ambry Variant Classification Scheme 2023. Collection method: clinical testing. Allele origin: germline.
Comment: The p.A1067V variant (also known as c.3200C>T), located in coding exon 20 of the CFTR gene, results from a C to T substitution at nucleotide position 3200. The alanine at codon 1067 is replaced by valine, an amino acid with similar properties. This variant has been detected in conjunction with a pathogenic CFTR mutation in individuals with congenital bilateral absence of the vas deferens (CBAVD), with no or few other signs of cystic fibrosis; however, the phase of the alterations (cis or trans) was not reported (De Braekeleer M et al. Mol. Hum. Reprod.,1996 Sep;2:669-77; J&eacute;z&eacute;quel P et al. Mol Hum Reprod, 2000 Dec;6:1063-7). Based on internal structural analysis, this variant is more destabilizing than known pathogenic variants within the domain (Jin MS et al. Nature, 2012 Oct;490:566-9). This amino acid position is highly conserved in available vertebrate species. In addition, this alteration is predicted to be deleterious by in silico analysis. Based on the available evidence, the clinical significance of this variant remains unclear.

Women's Health and Genetics/Laboratory Corporation of America, LabCorp
Classification: Likely pathogenic for Congenital bilateral aplasia of vas deferens from CFTR mutation. Last evaluated: 2025-05-28. Review status: criteria provided, single submitter. Criteria: LabCorp Variant Classification Summary - May 2015. Collection method: clinical testing. Allele origin: germline.
Comment: Variant summary: CFTR c.3200C>T (p.Ala1067Val) results in a non-conservative amino acid change located in the ABC transporter type 1, transmembrane domain of the encoded protein sequence. Algorithms developed to predict the effect of missense changes on protein structure and function all suggest that this variant is likely to be disruptive. The variant allele was found at a frequency of 1.2e-05 in 250938 control chromosomes. c.3200C>T has been observed in individual(s) affected with Congenital Bilateral Absence Of The Vas Deferens and Cystic Fibrosis (e.g. Jezequel_1995, DeBraekeleer_1996, Woods_2013, Qu_2023, internal data). These data indicate that the variant is likely to be associated with disease. It was also reported as a non-informative genotype in a child with features of atypical CF and hypohydrotic ectodermal dysplasia (Welsh_2014). At least one publication reports experimental evidence evaluating an impact on protein function. The most pronounced variant effect resulted in approximately 52% of normal chloride channel conductance relative to wild type (e.g., Bihler_2024). The following publications have been ascertained in the context of this evaluation (PMID: 8556303, 9239681, 7539342, 11101688, 36604502, 25735457, 1284534, 24419263, 38388235). ClinVar contains an entry for this variant (Variation ID: 53683). Based on the evidence outlined above, the variant was classified as likely pathogenic.

ARUP Laboratories, Molecular Genetics and Genomics, ARUP Laboratories
Classification: Likely pathogenic for Cystic fibrosis; Bronchiectasis with or without elevated sweat chloride 1; Hereditary pancreatitis; Congenital bilateral aplasia of vas deferens from CFTR mutation. Last evaluated: 2025-01-27. Review status: criteria provided, single submitter. Criteria: ARUP Molecular Germline Variant Investigation Process 2024. Collection method: clinical testing. Allele origin: germline.
Comment: The CFTR c.3200C>T; p.Ala1067Val variant (rs1800114; ClinVar Variation ID: 53683) is reported in the literature in individuals affected with congenital absence of vas deferens (CBAVD) or atypical cystic fibrosis, some of whom carry a pathogenic variant on the opposite chromosome (De Braekeleer 1996, Jezequel 1995, Welsh 2014). This variant is only found on three alleles in the Genome Aggregation Database (v2.1.1), indicating it is not a common polymorphism. Computational analyses predict that this variant is deleterious (REVEL: 0.936). Additionally, other amino acid substitutions at this codon (Thr, Pro, Asp) have been reported in individuals with CF or CFTR-related disorders (Ferec 1992, see link to CF mutation database). While the p.Ala1067Val variant is not predicted to cause classic cystic fibrosis, it is considered to be likely pathogenic for CFTR-related disorders. References: Link to cystic fibrosis mutation database: De Braekeleer M and Ferec C. Mutations in the cystic fibrosis gene in men with congenital bilateral absence of the vas deferens. Mol Hum Reprod. 1996 Sep;2(9):669-77. PMID: 9239681. Ferec C et al. Detection of over 98% cystic fibrosis mutations in a Celtic population. Nat Genet. 1992 Jun;1(3):188-91. PMID: 1284639. Jezequel P et al. Structural analysis of CFTR gene in congenital bilateral absence of vas deferens. Clin Chem. 1995 Jun;41(6 Pt 1):833-5. PMID: 7539342. Welsh SK et al. False-negative sweat chloride testing in a child with cystic fibrosis and undiagnosed hypohidrotic ectodermal dysplasia. Clin Pediatr (Phila). 2014 Oct;53(12):1203-5. PMID: 24419263.

Revvity Omics, Revvity
Classification: Likely pathogenic. Last evaluated: 2025-01-16. Review status: criteria provided, single submitter. Criteria: ACMG Guidelines, 2015. Collection method: clinical testing. Allele origin: germline.

GeneDx
Classification: Uncertain significance. Last evaluated: 2024-09-10. Review status: criteria provided, single submitter. Criteria: GeneDx Variant Classification Process June 2021. Collection method: clinical testing. Allele origin: germline. Affected: yes.
Comment: Observed in individuals with congenital absence of the vas deferens who also harbored additional CFTR variants, but segregation data and additional clinical information was not included (PMID: 9239681, 7539342, 8556303, Woods, 2013); Not observed at significant frequency in large population cohorts (gnomAD); In silico analysis supports that this missense variant has a deleterious effect on protein structure/function; This variant is associated with the following publications: (PMID: 24419263, 7689902, 7539342, 25087612, 1284534, Woods2013[Article], 32734384, 8556303, 11101688, 9239681, 36604502, 34996830, 34782259)

Mayo Clinic Laboratories, Mayo Clinic
Classification: Uncertain significance. Last evaluated: 2024-08-21. Review status: criteria provided, single submitter. Criteria: ACMG Guidelines, 2015. Collection method: clinical testing. Allele origin: germline. Observed: 1 variant allele.
Comment: PP3, PM2

Genetics and Molecular Pathology, SA Pathology
Classification: Likely pathogenic for Cystic fibrosis. Last evaluated: 2021-07-02. Review status: criteria provided, single submitter. Criteria: ACMG Guidelines, 2015. Collection method: clinical testing. Allele origin: germline. Inheritance: Autosomal recessive inheritance. Affected: yes.

Genome Diagnostics Laboratory, The Hospital for Sick Children
Classification: Uncertain significance for Cystic fibrosis. Last evaluated: 2021-04-27. Review status: criteria provided, single submitter. Criteria: ACMG Guidelines, 2015. Collection method: clinical testing. Allele origin: germline.

Eurofins Ntd Llc (ga)
Classification: Uncertain significance. Last evaluated: 2016-02-11. Review status: criteria provided, single submitter. Criteria: EGL Classification Definitions 2015. Collection method: clinical testing. Allele origin: germline. Observed: 1 variant allele, 1 heterozygote.

Genome Diagnostics Laboratory, The Hospital for Sick Children
Classification: Likely pathogenic for CFTR-related disorders. Last evaluated: 2021-04-27. Review status: no assertion criteria provided. Collection method: clinical testing. Allele origin: germline. Not counted in ClinVar's aggregate classification.

Counsyl
Classification: Uncertain significance for Cystic fibrosis. Last evaluated: 2017-11-13. Review status: no assertion criteria provided. Collection method: clinical testing. Allele origin: unknown. Not counted in ClinVar's aggregate classification.

Literature cited by the submitters: PubMed 7539342 (cited by 5 submitters); PubMed 7689902 (cited by 4 submitters); PubMed 8556303 (cited by Labcorp Genetics (formerly Invitae), Labcorp and Women's Health and Genetics/Laboratory Corporation of America, LabCorp); PubMed 1284639 (cited by Labcorp Genetics (formerly Invitae), Labcorp); PubMed 8662892 (cited by Labcorp Genetics (formerly Invitae), Labcorp); PubMed 8702904 (cited by Labcorp Genetics (formerly Invitae), Labcorp); PubMed 23891399 (cited by Labcorp Genetics (formerly Invitae), Labcorp); PubMed 27131402 (cited by Labcorp Genetics (formerly Invitae), Labcorp); PubMed 11101688 (cited by 3 submitters); PubMed 23000902 (cited by Ambry Genetics); PubMed 24419263 (cited by 3 submitters); PubMed 9239681 (cited by Ambry Genetics and Women's Health and Genetics/Laboratory Corporation of America, LabCorp); PubMed 1284534 (cited by Women's Health and Genetics/Laboratory Corporation of America, LabCorp); PubMed 25735457 (cited by Women's Health and Genetics/Laboratory Corporation of America, LabCorp); PubMed 36604502 (cited by Women's Health and Genetics/Laboratory Corporation of America, LabCorp); PubMed 38388235 (cited by Women's Health and Genetics/Laboratory Corporation of America, LabCorp and Mayo Clinic Laboratories, Mayo Clinic); PubMed 25087612 (cited by Mayo Clinic Laboratories, Mayo Clinic); PubMed 32734384 (cited by Mayo Clinic Laboratories, Mayo Clinic); PubMed 34782259 (cited by Mayo Clinic Laboratories, Mayo Clinic); PubMed 7529319 (cited by Mayo Clinic Laboratories, Mayo Clinic and Eurofins Ntd Llc (ga)); PubMed 7539448 (cited by Mayo Clinic Laboratories, Mayo Clinic); I:\T\Papers and Publications\CFTR\Alison Millson_ASHG_2013.pdf (cited by Eurofins Ntd Llc (ga)); I:\T\Papers and Publications\CFTR\Woods A1067V.pdf (cited by Eurofins Ntd Llc (ga)).